The following is an entry in ClinVar:

ClinVar aggregate classification (germline): Uncertain significance (1 of 4 stars; one submission).

Allele frequency attached by ClinVar (database versions not stated): gnomAD exomes below 0.00001; TOPMed below 0.00001.
gnomAD v4.1: 6 of 1,605,670 alleles (0.00037%); highest among the groups gnomAD compares: Middle Eastern, 0.017%; no homozygotes.

Submission:

Labcorp Genetics (formerly Invitae), Labcorp
Classification: Uncertain significance. Last evaluated: 2023-11-27. Review status: criteria provided, single submitter. Criteria: Invitae Variant Classification Sherloc (09022015). Collection method: clinical testing. Allele origin: germline.
Comment: This sequence change replaces glutamine, which is neutral and polar, with histidine, which is basic and polar, at codon 1158 of the KMT2C protein (p.Gln1158His). This variant is not present in population databases (gnomAD no frequency). This variant has not been reported in the literature in individuals affected with KMT2C-related conditions. An algorithm developed to predict the effect of missense changes on protein structure and function (PolyPhen-2) suggests that this variant is likely to be disruptive. In summary, the available evidence is currently insufficient to determine the role of this variant in disease. Therefore, it has been classified as a Variant of Uncertain Significance.

NM_170606.3(KMT2C):c.3474A>C (p.Gln1158His)

Gene: KMT2C (lysine methyltransferase 2C; minus strand). Cytogenetic location: 7q36.1.
Variant type: single nucleotide variant.
Coding change: c.3474A>C on transcript NM_170606.3 (MANE Select); coding-DNA position 3474, A replaced by C.
Protein change: p.Gln1158His; replaces glutamine 1158 with histidine.
Molecular consequence: missense variant.
Genome position (GRCh38, 1-based): chr7:152,222,026, T>G on the plus strand (A>C on the coding strand, the complement: KMT2C is on the minus strand). VCF-style: chr7-152222026-T-G. GRCh37 (hg19) VCF-style: chr7-151919111-T-G.
Other names: short protein forms Q1158H.
Identifiers: ClinVar variation 2996699 (VCV002996699.3), dbSNP rs1563460180, ClinGen allele CA370109227.